The following is an entry in ClinVar:

ClinVar aggregate classification (germline): Pathogenic (1 of 4 stars; one submission).

Conditions:
Monogenic hearing loss.

gnomAD v4.1: 2 of 1,612,374 alleles (0.00012%); highest among the groups gnomAD compares: South Asian, 0.0022%; no homozygotes.

Submission:

Genetics Laboratory, Great Ormond Street Hospital NHS Foundation Trust, North Thames Genomic Laboratory Hub
Classification: Pathogenic for Monogenic hearing loss. Last evaluated: 2025-10-07. Review status: criteria provided, single submitter. Criteria: ACGS Best Practice Guidelines for Variant Classification in Rare Disease 2024 v1.2. Collection method: clinical testing. Allele origin: germline. Affected: yes.
Comment: PM2_moderate, PVS1_very-strong, PP4_supporting

NM_032119.4(ADGRV1):c.9716G>A (p.Trp3239Ter)

Gene: ADGRV1 (adhesion G protein-coupled receptor V1; plus strand). Cytogenetic location: 5q14.3.
Variant type: single nucleotide variant.
Coding change: c.9716G>A on transcript NM_032119.4 (MANE Select); coding-DNA position 9716, G replaced by A.
Protein change: p.Trp3239Ter; replaces tryptophan 3239 with a stop codon.
Molecular consequence: nonsense. On other transcripts: non-coding transcript variant (1).
Genome position (GRCh38, 1-based): chr5:90,721,027, G>A. VCF-style: chr5-90721027-G-A. GRCh37 (hg19) VCF-style: chr5-90016844-G-A.
Other names: short protein forms W3239*.
Identifiers: ClinVar variation 4533338 (VCV004533338.1).